The following is an entry in ClinVar:

NM_016343.4(CENPF):c.3424A>G (p.Met1142Val)

Gene: CENPF (centromere protein F; plus strand). Cytogenetic location: 1q41.
Variant type: single nucleotide variant.
Coding change: c.3424A>G on transcript NM_016343.4 (MANE Select); coding-DNA position 3424, A replaced by G.
Protein change: p.Met1142Val; replaces methionine 1142 with valine.
Molecular consequence: missense variant.
Genome position (GRCh38, 1-based): chr1:214,641,762, A>G. VCF-style: chr1-214641762-A-G. GRCh37 (hg19) VCF-style: chr1-214815105-A-G.
Other names: short protein forms M1142V.
Identifiers: ClinVar variation 830331 (VCV000830331.5), dbSNP rs778072776, ClinGen allele CA1390405.

ClinVar aggregate classification (germline): Uncertain significance (1 of 4 stars; one submission).

Conditions:
Stromme syndrome (STROMS). Also called: APPLE PEEL SYNDROME WITH MICROCEPHALY AND OCULAR ANOMALIES; Ciliary dyskinesia, primary, 31; Strømme Syndrome. Identifiers: Orphanet 444069, Orphanet 506307, MedGen C1855705, MONDO:0009477, OMIM 243605.

Allele frequency attached by ClinVar (database versions not stated): gnomAD below 0.00001 and 0.00001; gnomAD exomes 0.00001 and below 0.00001; TOPMed below 0.00001; ExAC 0.00001.

Submission:

Diagnostics Services (NGS), CSIR - Centre For Cellular And Molecular Biology
Classification: Uncertain significance for Stromme syndrome. Last evaluated: 2019-12-18. Review status: criteria provided, single submitter. Criteria: ACMG Guidelines, 2015. Collection method: clinical testing. Allele origin: unknown. Inheritance: Autosomal recessive inheritance. Affected: yes. Observed: 1 variant allele, 1 heterozygote.
Comment: The c.3424A>G variant is not present in publicly available databases like 1000 Genomes and Exome Variant Server (EVS) however present in Exome Aggregation Consortium (ExAC), Genome Aggregation Database (gnomAD) and dbSNP at a very low frequency (<0.00001), only in heterozygous state. The variant is present in our in-house exome database in heterozygous state (MAF<0.001). The variant was not reported to OMIM, ClinVar and Human Genome Mutation Database (HGMD) in any other affected individuals. Predictions from different In-silico pathogenicity prediction programs are contradictory. Due to lack of enough evidence the variant has been classified as uncertain significance as per ACMG guidelines.